The following is an entry in ClinVar:

NM_198578.4(LRRK2):c.1356T>G (p.His452Gln)

Gene: LRRK2 (leucine rich repeat kinase 2; plus strand). Cytogenetic location: 12q12.
Variant type: single nucleotide variant.
Coding change: c.1356T>G on transcript NM_198578.4 (MANE Select); coding-DNA position 1356, T replaced by G.
Protein change: p.His452Gln; replaces histidine 452 with glutamine.
Molecular consequence: missense variant.
Genome position (GRCh38, 1-based): chr12:40,257,315, T>G. VCF-style: chr12-40257315-T-G. GRCh37 (hg19) VCF-style: chr12-40651117-T-G.
Other names: short protein forms H452Q.
Identifiers: ClinVar variation 1770719 (VCV001770719.8), dbSNP rs1221517886, ClinGen allele CA384410628.

ClinVar aggregate classification (germline): Uncertain significance. Review status: criteria provided, multiple submitters, no conflicts (2 of 4 stars). 2 submissions from 2 submitters: Uncertain significance (2). Last evaluated 2025-10-06.

Conditions:
Inborn genetic diseases. Identifiers: MedGen C0950123, MeSH D030342.
Autosomal dominant Parkinson disease 8. Also called: LRRK2-Related Parkinson Disease; Parkinson disease 8; Parkinson disease 8, susceptibility to. Identifiers: Orphanet 411602, MedGen C1846862, MONDO:0011764, OMIM 607060.

gnomAD v4.1: 1 of 1,611,262 alleles (0.000062%); highest among the groups gnomAD compares: Non-Finnish European, 0.000085%; no homozygotes.

Submissions (2):

Labcorp Genetics (formerly Invitae), Labcorp
Classification: Uncertain significance for Autosomal dominant Parkinson disease 8. Last evaluated: 2025-10-06. Review status: criteria provided, single submitter. Criteria: Invitae Variant Classification Sherloc (09022015). Collection method: clinical testing. Allele origin: germline.
Comment: This sequence change replaces histidine, which is basic and polar, with glutamine, which is neutral and polar, at codon 452 of the LRRK2 protein (p.His452Gln). This variant is not present in population databases (gnomAD no frequency). This variant has not been reported in the literature in individuals affected with LRRK2-related conditions. ClinVar contains an entry for this variant (Variation ID: 1770719). Invitae Evidence Modeling of protein sequence and biophysical properties (such as structural, functional, and spatial information, amino acid conservation, physicochemical variation, residue mobility, and thermodynamic stability) has been performed for this missense variant. However, the output from this modeling did not meet the statistical confidence thresholds required to predict the impact of this variant on LRRK2 protein function. In summary, the available evidence is currently insufficient to determine the role of this variant in disease. Therefore, it has been classified as a Variant of Uncertain Significance.

Ambry Genetics
Classification: Uncertain significance for Inborn genetic diseases. Last evaluated: 2024-10-29. Review status: criteria provided, single submitter. Criteria: Ambry Variant Classification Scheme 2023. Collection method: clinical testing. Allele origin: germline.
Comment: The p.H452Q variant (also known as c.1356T>G), located in coding exon 12 of the LRRK2 gene, results from a T to G substitution at nucleotide position 1356. The histidine at codon 452 is replaced by glutamine, an amino acid with highly similar properties. This amino acid position is conserved. In addition, the in silico prediction for this alteration is inconclusive. Since supporting evidence is limited at this time, the clinical significance of this alteration remains unclear.